The following is an entry in ClinVar:

ClinVar aggregate classification (germline): Uncertain significance (1 of 4 stars; one submission).

Submission:

GeneDx
Classification: Uncertain significance. Last evaluated: 2022-04-08. Review status: criteria provided, single submitter. Criteria: GeneDx Variant Classification Process June 2021. Collection method: clinical testing. Allele origin: germline. Affected: yes.
Comment: Has not been previously published as pathogenic or benign to our knowledge; Not observed at significant frequency in large population cohorts (gnomAD); In silico analysis supports that this missense variant does not alter protein structure/function

NM_006236.3(POU3F3):c.164G>C (p.Ser55Thr)

Gene: POU3F3 (POU class 3 homeobox 3; plus strand). Cytogenetic location: 2q12.1.
Variant type: single nucleotide variant.
Coding change: c.164G>C on transcript NM_006236.3 (MANE Select); coding-DNA position 164, G replaced by C.
Protein change: p.Ser55Thr; replaces serine 55 with threonine.
Molecular consequence: missense variant.
Genome position (GRCh38, 1-based): chr2:104,855,674, G>C. VCF-style: chr2-104855674-G-C. GRCh37 (hg19) VCF-style: chr2-105472132-G-C.
Other names: short protein forms S55T.
Identifiers: ClinVar variation 1678671 (VCV001678671.2), dbSNP rs2104339688, ClinGen allele CA348096156.